The following is an entry in ClinVar:

ClinVar aggregate classification (germline): Pathogenic (1 of 4 stars; one submission).

Conditions:
Deafness-lymphedema-leukemia syndrome. Also called: Emberger syndrome; Lymphedema, primary, with myelodysplasia. Identifiers: Orphanet 3226, MedGen C3279664, MONDO:0013540, OMIM 614038.
GATA2 deficiency with susceptibility to MDS/AML. Identifiers: MedGen CN300066, MONDO:0042982.

Submission:

Molecular Pathology Research Laboratory, SA Pathology
Classification: Pathogenic for GATA2 deficiency with susceptibility to MDS/AML; Deafness-lymphedema-leukemia syndrome. Last evaluated: 2021-07-06. Review status: criteria provided, single submitter. Criteria: ACMG Guidelines, 2015. Collection method: curation. Allele origin: unknown. Inheritance: Autosomal dominant inheritance. Affected: yes. Observed: 2 variant alleles.
Comment: PVS1, PS4_Moderate, PM2

Literature cited by the submitters: PubMed 26702063.

NM_032638.5(GATA2):c.1018-10_1037del

Gene: GATA2 (GATA binding protein 2; minus strand). Cytogenetic location: 3q21.3.
Variant type: Deletion.
Coding change: c.1018-10_1037del on transcript NM_032638.5 (MANE Select); 10 bases into the intron before coding-DNA position 1018 through coding-DNA position 1037, 30 bases deleted (GCCCTCCCAGTCGGCCGCCAGAAGAGCCGG).
Molecular consequence: splice acceptor variant. On other transcripts: intron variant (1).
Genome position (GRCh38, 1-based): chr3:128,481,925-128,481,954, CCGGCTCTTCTGGCGGCCGACTGGGAGGGC deleted on the plus strand (GCCCTCCCAGTCGGCCGCCAGAAGAGCCGG on the coding strand, the reverse complement: GATA2 is on the minus strand). VCF-style (leftmost placement, unchanged base first): chr3-128481924-GCCGGCTCTTCTGGCGGCCGACTGGGAGGGC-G. GRCh37 (hg19) VCF-style: chr3-128200767-GCCGGCTCTTCTGGCGGCCGACTGGGAGGGC-G.
Other names: c.1018-52_1018-23del (NM_001145662.1); c.1018-10_1037del (NM_001145661.2).
Identifiers: ClinVar variation 1184179 (VCV001184179.1), dbSNP rs2107668773, ClinGen allele CA2499216439.